The following is an entry in ClinVar:

ClinVar aggregate classification (germline): Uncertain significance (1 of 4 stars; one submission).

Allele frequency attached by ClinVar (database versions not stated): TOPMed below 0.00001; gnomAD exomes 0.00001; ExAC 0.00002; gnomAD 0.00003 and 0.00004; ESP Exome Variant Server 0.00015.

Submission:

Labcorp Genetics (formerly Invitae), Labcorp
Classification: Uncertain significance. Last evaluated: 2024-09-29. Review status: criteria provided, single submitter. Criteria: Invitae Variant Classification Sherloc (09022015). Collection method: clinical testing. Allele origin: germline.
Comment: This sequence change replaces proline, which is neutral and non-polar, with leucine, which is neutral and non-polar, at codon 181 of the CNNM4 protein (p.Pro181Leu). This variant is present in population databases (rs376702001, gnomAD 0.008%). This variant has not been reported in the literature in individuals affected with CNNM4-related conditions. ClinVar contains an entry for this variant (Variation ID: 938294). Invitae Evidence Modeling of protein sequence and biophysical properties (such as structural, functional, and spatial information, amino acid conservation, physicochemical variation, residue mobility, and thermodynamic stability) indicates that this missense variant is expected to disrupt CNNM4 protein function with a positive predictive value of 80%. In summary, the available evidence is currently insufficient to determine the role of this variant in disease. Therefore, it has been classified as a Variant of Uncertain Significance.

NM_020184.4(CNNM4):c.542C>T (p.Pro181Leu)

Gene: CNNM4 (cyclin and CBS domain divalent metal cation transport mediator 4; plus strand). Cytogenetic location: 2q11.2.
Variant type: single nucleotide variant.
Coding change: c.542C>T on transcript NM_020184.4 (MANE Select); coding-DNA position 542, C replaced by T.
Protein change: p.Pro181Leu; replaces proline 181 with leucine.
Molecular consequence: missense variant.
Genome position (GRCh38, 1-based): chr2:96,761,541, C>T. VCF-style: chr2-96761541-C-T. GRCh37 (hg19) VCF-style: chr2-97427278-C-T.
Other names: short protein forms P181L.
Identifiers: ClinVar variation 938294 (VCV000938294.9), dbSNP rs376702001, ClinGen allele CA1783225.
Genomic context (GRCh38, chr2:96,761,541, plus strand): 5'-TGAAGTGGACGGACAAGGACTCACTGCTCTTCATGGTGGAGGAGCCTGGGAGGTTCCTGC[C>T]TCTCTGGCTGCACATTCTCCTAATTACGGTGCTGCTGGTGCTGTCGGGCATATTTTCTGG-3'
Protein context (NP_064569.3, residues 171-191): FMVEEPGRFL[Pro181Leu]LWLHILLITV